The following is an entry in ClinVar:

NM_000138.5(FBN1):c.4190G>C (p.Gly1397Ala)

Gene: FBN1 (fibrillin 1; minus strand). Cytogenetic location: 15q21.1.
Variant type: single nucleotide variant.
Coding change: c.4190G>C on transcript NM_000138.5 (MANE Select); coding-DNA position 4190, G replaced by C.
Protein change: p.Gly1397Ala; replaces glycine 1397 with alanine.
Molecular consequence: missense variant.
Genome position (GRCh38, 1-based): chr15:48,474,275, C>G on the plus strand (G>C on the coding strand, the complement: FBN1 is on the minus strand). VCF-style: chr15-48474275-C-G. GRCh37 (hg19) VCF-style: chr15-48766472-C-G.
Other names: c.4190G>C, p.Gly1397Ala (NM_001406716.1); short protein forms G1397A.
Identifiers: ClinVar variation 3072439 (VCV003072439.3), dbSNP rs747867726, ClinGen allele CA052146.

ClinVar aggregate classification (germline): Uncertain significance. Review status: criteria provided, multiple submitters, no conflicts (2 of 4 stars). 3 submissions from 3 submitters: Uncertain significance (3). Last evaluated 2025-09-15.

Conditions:
Familial thoracic aortic aneurysm and aortic dissection (TAAD). Also called: Thoracic aortic aneurysms and dissections. Identifiers: Orphanet 91387, MedGen C4707243, MONDO:0019625.
Marfan syndrome (MFS). Also called: MARFAN SYNDROME, TYPE I; Marfan syndrome type 1; Marfan's syndrome; Marfan syndrome, classic; FBN1-Related Marfan Syndrome. Identifiers: Orphanet 284963, Orphanet 558, MedGen C0024796, MONDO:0007947, OMIM 154700.

Submissions (3):

Women's Health and Genetics/Laboratory Corporation of America, LabCorp
Classification: Uncertain significance. Last evaluated: 2025-09-15. Review status: criteria provided, single submitter. Criteria: LabCorp Variant Classification Summary - May 2015. Collection method: clinical testing. Allele origin: germline.
Comment: Variant summary: FBN1 c.4190G>C (p.Gly1397Ala) results in a non-conservative amino acid change in the encoded protein sequence. Algorithms developed to predict the effect of missense changes on protein structure and function all suggest that this variant is likely to be disruptive. The variant allele was found at a frequency of 4e-06 in 251380 control chromosomes. The available data on variant occurrences in the general population are insufficient to allow any conclusion about variant significance. To our knowledge, no occurrence of c.4190G>C in individuals affected with FBN1-related conditions and no experimental evidence demonstrating its impact on protein function have been reported. ClinVar contains an entry for this variant (Variation ID: 3072439). Based on the evidence outlined above, the variant was classified as uncertain significance.

Color Diagnostics, LLC DBA Color Health
Classification: Uncertain significance for Familial thoracic aortic aneurysm and aortic dissection. Last evaluated: 2025-07-02. Review status: criteria provided, single submitter. Criteria: ACMG Guidelines, 2015. Collection method: clinical testing. Allele origin: germline.
Comment: This missense variant replaces glycine with alanine at codon 1397 of the FBN1 protein. Computational prediction suggests that this variant may have a deleterious impact on protein structure and function. To our knowledge, functional studies have not been reported for this variant. This variant has not been reported in individuals affected with FBN1-related disorders in the literature. This variant has been identified in 1/251380 chromosomes in the general population by the Genome Aggregation Database (gnomAD). The available evidence is insufficient to determine the role of this variant in disease conclusively. Therefore, this variant is classified as a Variant of Uncertain Significance.

All of Us Research Program, National Institutes of Health
Classification: Uncertain significance for Marfan syndrome. Last evaluated: 2023-07-10. Review status: criteria provided, single submitter. Criteria: ACMG Guidelines, 2015. Collection method: clinical testing. Allele origin: germline. Inheritance: Autosomal dominant inheritance. Observed: 1 variant allele, 1 heterozygote.
Comment: This missense variant replaces glycine with alanine at codon 1397 of the FBN1 protein. Computational prediction suggests that this variant may have deleterious impact on protein structure and function (internally defined REVEL score threshold >= 0.7, PMID: 27666373). To our knowledge, functional studies have not been reported for this variant. This variant has not been reported in individuals affected with FBN1-related disorders in the literature. This variant has been identified in 1/251380 chromosomes in the general population by the Genome Aggregation Database (gnomAD). The available evidence is insufficient to determine the role of this variant in disease conclusively. Therefore, this variant is classified as a Variant of Uncertain Significance.

This study involves interpretation of variants in research participants for the purpose of population health screening. Participant phenotype was not available at the time of variant classification. Additional details can be found in publication PMID: 35346344, PMCID: PMC8962531